The following is an entry in ClinVar:

ClinVar aggregate classification (germline): Uncertain significance (1 of 4 stars; one submission).

Submission:

Ambry Genetics
Classification: Uncertain significance. Last evaluated: 2025-06-19. Review status: criteria provided, single submitter. Criteria: Ambry Variant Classification Scheme 2023. Collection method: clinical testing. Allele origin: germline.
Comment: The p.E191V variant (also known as c.572A>T), located in coding exon 4 of the ATRIP gene, results from an A to T substitution at nucleotide position 572. The glutamic acid at codon 191 is replaced by valine, an amino acid with dissimilar properties. This amino acid position is conserved. In addition, this alteration is predicted to be deleterious by in silico analysis. Based on the available evidence, the clinical significance of this variant remains unclear.

NM_130384.3(ATRIP):c.572A>T (p.Glu191Val)

Genes: ATRIP (ATR interacting protein; plus strand), ATRIP-TREX1 (ATRIP-TREX1 readthrough; plus strand). Cytogenetic location: 3p21.31.
Variant type: single nucleotide variant.
Coding change: c.572A>T on transcript NM_130384.3 (MANE Select); coding-DNA position 572, A replaced by T.
Protein change: p.Glu191Val; replaces glutamic acid 191 with valine.
Molecular consequence: missense variant. On other transcripts: non-coding transcript variant (1).
Genome position (GRCh38, 1-based): chr3:48,454,319, A>T. VCF-style: chr3-48454319-A-T. GRCh37 (hg19) VCF-style: chr3-48495719-A-T.
Other names: c.191A>T, p.Glu64Val (NM_001271022.2); c.293A>T, p.Glu98Val (NM_001271023.2); c.572A>T, p.Glu191Val (NM_032166.4); short protein forms E98V, E191V, E64V.
Identifiers: ClinVar variation 4181821 (VCV004181821.1).